The following is an entry in ClinVar:

NR_003051.4(RMRP):n.54dup

Gene: RMRP (RNA component of mitochondrial RNA processing endoribonuclease; minus strand). Cytogenetic location: 9p13.3.
Variant type: Duplication.
Genome position: GRCh38 VCF-style: chr9-35657962-A-AG. GRCh37 (hg19) VCF-style: chr9-35657959-A-AG.
Identifiers: ClinVar variation 702091 (VCV000702091.16), dbSNP rs151011853, ClinGen allele CA5045855.

ClinVar aggregate classification (germline): Benign. Review status: reviewed by expert panel (3 of 4 stars). 5 submissions from 5 submitters: Benign (1). 4 of the submissions do not count toward it. Last evaluated 2026-09-26.

Conditions:
RMRP-related disorder. Also called: RMRP-related condition.
Metaphyseal chondrodysplasia, McKusick type (CHH). Also called: Cartilage-hair hypoplasia; Cartilage-Hair Hypoplasia (CHH). Identifiers: Orphanet 175, MedGen C0220748, MONDO:0009595, OMIM 250250.
Anauxetic dysplasia. Identifiers: Orphanet 93347, MedGen C1846796, MONDO:0011773.

Submissions (5):

ClinGen Severe Combined Immunodeficiency Variant Curation Expert Panel, ClinGen
Classification: Benign for Metaphyseal chondrodysplasia, McKusick type. Last evaluated: 2026-09-26. Review status: reviewed by expert panel. Criteria: ClinGen SCID ACMG Specifications RMRP V1.3. Collection method: curation. Allele origin: germline. Inheritance: Autosomal recessive inheritance.
Comment: The variant NC_000009.12:g.35657966dup, also known as NR_003051.3:n.56dup and NR_003051.4:n.54dup, is present in gnomAD v4.1.0 at a Grpmax filtering allele frequency of 0.01624, with [647/37290 alleles] in the East Asian population, which exceeds the threshold (>0.00400) specified by the ClinGen SCID VCEP for BA1. In addition, 5 homozygotes are present in gnomAD v4.1.0. This variant has not been reported in the literature. In summary, this variant meets the criteria to be classified as Benign for autosomal recessive cartilage-hair hypoplasia based on the ACMG/AMP criteria applied, as specified by the ClinGen SCID VCEP: BA1 (VCEP specifications version 1.3).

Labcorp Genetics (formerly Invitae), Labcorp
Classification: Benign for Anauxetic dysplasia. Last evaluated: 2026-01-28. Review status: criteria provided, single submitter. Criteria: Invitae Variant Classification Sherloc (09022015). Collection method: clinical testing. Allele origin: germline. Not counted in ClinVar's aggregate classification.

Women's Health and Genetics/Laboratory Corporation of America, LabCorp
Classification: Benign. Last evaluated: 2022-07-13. Review status: criteria provided, single submitter. Criteria: LabCorp Variant Classification Summary - May 2015. Collection method: clinical testing. Allele origin: germline. Not counted in ClinVar's aggregate classification.
Comment: Variant summary: RMRP n.56dupC alters a nucleotide in the non-coding RNA. The variant allele was found at a frequency of 0.0026 in 130482 control chromosomes, predominantly at a frequency of 0.03 within the East Asian subpopulation in the gnomAD database, including 5 homozygotes. The observed variant frequency within East Asian control individuals in the gnomAD database is approximately 4 fold of the estimated maximal expected allele frequency for a pathogenic variant in RMRP causing Cartilage-Hair Hypoplasia phenotype (0.0072), strongly suggesting that the variant is a benign polymorphism found primarily in populations of East Asian origin. Two clinical diagnostic laboratories have submitted clinical-significance assessments for this variant to ClinVar after 2014 and all laboratories classified the variant as benign. Based on the evidence outlined above, the variant was classified as benign.

Natera, Inc.
Classification: Benign for Cartilage-hair hypoplasia. Last evaluated: 2020-09-16. Review status: no assertion criteria provided. Collection method: clinical testing. Allele origin: germline. Not counted in ClinVar's aggregate classification.

PreventionGenetics, part of Exact Sciences
Classification: Benign for RMRP-related condition. Last evaluated: 2019-04-29. Review status: no assertion criteria provided. Collection method: clinical testing. Allele origin: germline. Not counted in ClinVar's aggregate classification.
Comment: This variant is classified as benign based on ACMG/AMP sequence variant interpretation guidelines (Richards et al. 2015 PMID: 25741868, with internal and published modifications).